The following is an entry in ClinVar:

ClinVar aggregate classification (germline): Likely pathogenic. Review status: criteria provided, multiple submitters, no conflicts (2 of 4 stars). 4 submissions from 4 submitters: Likely pathogenic (4). Last evaluated 2023-04-11.

Conditions:
Osteogenesis imperfecta type 8 (OI8). Identifiers: MedGen C1970458, MONDO:0012581, OMIM 610915.
Osteogenesis imperfecta (OI). Identifiers: Orphanet 666, MedGen C0029434, MeSH D010013, MONDO:0019019.

Submissions (4):

Genome-Nilou Lab
Classification: Likely pathogenic for Osteogenesis imperfecta type 8. Last evaluated: 2023-04-11. Review status: criteria provided, single submitter. Criteria: ACMG Guidelines, 2015. Collection method: clinical testing. Allele origin: germline. Affected: no.

Genome Diagnostics Laboratory, The Hospital for Sick Children
Classification: Likely pathogenic for Osteogenesis imperfecta. Last evaluated: 2022-04-04. Review status: criteria provided, single submitter. Criteria: ACMG Guidelines, 2015. Collection method: clinical testing. Allele origin: germline.

Revvity Omics, Revvity
Classification: Likely pathogenic for Osteogenesis imperfecta type 8. Last evaluated: 2022-01-24. Review status: criteria provided, single submitter. Criteria: ACMG Guidelines, 2015. Collection method: clinical testing. Allele origin: germline.

Neuberg Centre For Genomic Medicine, NCGM
Classification: Likely pathogenic for Osteogenesis imperfecta type 8. Review status: criteria provided, single submitter. Criteria: ACMG Guidelines, 2015. Collection method: clinical testing. Allele origin: germline. Inheritance: Autosomal recessive inheritance. Affected: yes.
Comment: The frameshift deletion p.D556Vfs*38 in P3H1 (NM_022356.4) has not been reported previously as a pathogenic variant nor as a benign variant, to our knowledge. The p.D556Vfs*38 variant is novel (not in any individuals) in gnomAD Exomes and is novel (not in any individuals) in 1000 Genomes. This variant is predicted to cause loss of normal protein function through protein truncation caused a frameshift mutation. The frame shifted sequence continues 38 residues until a stop codon is reached. The p.D556Vfs*38 variant is a loss of function variant in the gene P3H1, which is intolerant of Loss of Function variants. For these reasons, this variant has been classified as Likely Pathogenic.

NM_022356.4(P3H1):c.1667del (p.Asp556fs)

Gene: P3H1 (prolyl 3-hydroxylase 1; minus strand). Cytogenetic location: 1p34.2.
Variant type: Deletion.
Coding change: c.1667del on transcript NM_022356.4 (MANE Select); coding-DNA position 1667, one base deleted (A; older notation c.1667delA).
Protein change: p.Asp556fs; shifts the reading frame from aspartic acid 556.
Molecular consequence: frameshift variant.
Genome position (GRCh38, 1-based): chr1:42,750,239, T deleted on the plus strand (A on the coding strand, the reverse complement: P3H1 is on the minus strand). VCF-style (leftmost placement, unchanged base first): chr1-42750238-AT-A. GRCh37 (hg19) VCF-style: chr1-43215909-AT-A.
Other names: c.1667del, p.Asp556fs (NM_001146289.2, NM_001243246.2); c.1667del (NM_001243246.1); short protein forms D556fs.
Identifiers: ClinVar variation 1702034 (VCV001702034.8), dbSNP rs2124093521, ClinGen allele CA2580062767.
Genomic context (GRCh38, chr1:42,750,238, plus strand): 5'-AGGCCCACCTTCGATGGCAGTGCGGCACACCAGATGAGAGTAGGAAAAGTAGAGGGGCGT[AT>A]CCAGGCGGAAGTAGGACTCCATGATGCGCCGCACCTTCTCCGTCACGTTGTAGTACAGGT-3'